The following is an entry in ClinVar:

ClinVar aggregate classification (germline): Uncertain significance (1 of 4 stars; one submission).

Conditions:
Cardiomyopathy (CMYO). Also called: Cardiomyopathies. Identifiers: Orphanet 167848, MedGen C0878544, MONDO:0004994, HP:0001638. Inheritance: Various modes of inheritance.

Submission:

Color Diagnostics, LLC DBA Color Health
Classification: Uncertain significance for Cardiomyopathy. Last evaluated: 2023-01-23. Review status: criteria provided, single submitter. Criteria: ACMG Guidelines, 2015. Collection method: clinical testing. Allele origin: germline.
Comment: This variant causes an A to T nucleotide substitution at the +3 position of intron 16 of the MYH7 gene. Splice site prediction tools suggest that this variant may have a significant impact on RNA splicing. To our knowledge, functional studies have not been reported for this variant. This variant has not been reported in individuals affected with MYH7-related disorders in the literature. This variant has not been identified in the general population by the Genome Aggregation Database (gnomAD). Clinical relevance of loss-of-function MYH7 truncation and splice variants in autosomal dominant cardiovascular disorders is not clearly established. The available evidence is insufficient to determine the role of this variant in disease conclusively. Therefore, this variant is classified as a Variant of Uncertain Significance.

NM_000257.4(MYH7):c.1888+3A>T

Gene: MYH7 (myosin heavy chain 7; minus strand). Cytogenetic location: 14q11.2.
Variant type: single nucleotide variant.
Coding change: c.1888+3A>T on transcript NM_000257.4 (MANE Select); 3 bases into the intron after coding-DNA position 1888, A replaced by T.
Molecular consequence: intron variant.
Genome position (GRCh38, 1-based): chr14:23,427,582, T>A on the plus strand (A>T on the coding strand, the complement: MYH7 is on the minus strand). VCF-style: chr14-23427582-T-A. GRCh37 (hg19) VCF-style: chr14-23896791-T-A.
Other names: c.1888+3A>T (NM_001407004.1).
Identifiers: ClinVar variation 2773954 (VCV002773954.2), dbSNP rs2502296267, ClinGen allele CA2575486878.
Genomic context (GRCh38, chr14:23,427,582, plus strand): 5'-CCTGGCTCAGAACCTTGGCAGAATCCCTGCTCCTCTGTACCGGGAGCCTCAGTCCCTACT[T>A]ACGCGCATCAGCCCCAGCATAGTTGGCAAACAGGGTGCTGAGCAGCTTGAGGGAAGACTT-3'